The following is an entry in ClinVar:

NM_001267550.2(TTN):c.93130G>A (p.Gly31044Ser)

Genes: TTN (titin; minus strand), TTN-AS1 (TTN antisense RNA 1; plus strand). Cytogenetic location: 2q31.2.
Variant type: single nucleotide variant.
Coding change: c.93130G>A on transcript NM_001267550.2 (MANE Select); coding-DNA position 93130, G replaced by A.
Protein change: p.Gly31044Ser; replaces glycine 31044 with serine.
Molecular consequence: missense variant.
Genome position (GRCh38, 1-based): chr2:178,548,496, C>T on the plus strand (G>A on the coding strand, the complement: TTN is on the minus strand). VCF-style: chr2-178548496-C-T. GRCh37 (hg19) VCF-style: chr2-179413223-C-T.
Other names: p.G29403S:GGT>AGT; c.88207G>A, p.Gly29403Ser (NM_001256850.1); c.85426G>A, p.Gly28476Ser (NM_133378.4); c.65935G>A, p.Gly21979Ser (NM_003319.4); c.66310G>A, p.Gly22104Ser (NM_133432.3); c.66511G>A, p.Gly22171Ser (NM_133437.4); short protein forms G29403S, G31044S, G28476S, G21979S, G22171S, G22104S.
Identifiers: ClinVar variation 202992 (VCV000202992.14), dbSNP rs750213547, ClinGen allele CA310914.

ClinVar aggregate classification (germline): Conflicting classifications of pathogenicity. Review status: criteria provided, conflicting classifications (1 of 4 stars). 7 submissions from 7 submitters: Uncertain significance (5); Likely benign (1). 1 of the submissions does not count toward it. Last evaluated 2025-04-09.

Conditions:
TTN-related disorder. Also called: TTN-related disorders; TTN-related condition; TTN-related disease.
Cardiovascular phenotype. Identifiers: MedGen CN230736.

Allele frequency attached by ClinVar (database versions not stated): TOPMed 0.00004; gnomAD exomes 0.00005; ExAC 0.00006.
gnomAD v4.1: 101 of 1,613,726 alleles (0.0063%); highest among the groups gnomAD compares: Non-Finnish European, 0.0081%; no homozygotes.

Submissions (7):

Molecular Diagnostic Laboratory for Inherited Cardiovascular Disease, Montreal Heart Institute
Classification: Likely benign. Last evaluated: 2025-04-09. Review status: criteria provided, single submitter. Criteria: ACMG Guidelines, 2015. Collection method: clinical testing. Allele origin: germline. Affected: no.

Revvity Omics, Revvity
Classification: Uncertain significance. Last evaluated: 2025-01-31. Review status: criteria provided, single submitter. Criteria: ACMG Guidelines, 2015. Collection method: clinical testing. Allele origin: germline.

Women's Health and Genetics/Laboratory Corporation of America, LabCorp
Classification: Uncertain significance. Last evaluated: 2022-06-20. Review status: criteria provided, single submitter. Criteria: LabCorp Variant Classification Summary - May 2015. Collection method: clinical testing. Allele origin: germline.
Comment: Variant summary: TTN c.85426G>A (p.Gly28476Ser) results in a non-conservative amino acid change located in the A-band region of the encoded protein sequence. Five of five in-silico tools predict a damaging effect of the variant on protein function. The variant allele was found at a frequency of 4.8e-05 in 248422 control chromosomes. This frequency is not significantly higher than expected for a pathogenic variant in TTN causing Dilated Cardiomyopathy (4.8e-05 vs 0.00039), allowing no conclusion about variant significance. To our knowledge, no occurrence of c.85426G>A in individuals affected with Dilated Cardiomyopathy, Limb-Girdle Muscular Dystrophy, or other TTN-related disorders and no experimental evidence demonstrating its impact on protein function have been reported. One clinical diagnostic laboratory has submitted clinical-significance assessments for this variant to ClinVar after 2014 and classified the variant as uncertain significance. Based on the evidence outlined above, the variant was classified as uncertain significance.

Ambry Genetics
Classification: Uncertain significance for Cardiovascular phenotype. Last evaluated: 2020-01-07. Review status: criteria provided, single submitter. Criteria: Ambry Variant Classification Scheme 2023. Collection method: clinical testing. Allele origin: germline.
Comment: The p.G21979S variant (also known as c.65935G>A), located in coding exon 166 of the TTN gene, results from a G to A substitution at nucleotide position 65935. The glycine at codon 21979 is replaced by serine, an amino acid with similar properties. This amino acid position is highly conserved in available vertebrate species. In addition, the in silico prediction for this alteration is inconclusive. Since supporting evidence is limited at this time, the clinical significance of this alteration remains unclear.

Laboratory for Molecular Medicine, Mass General Brigham Personalized Medicine
Classification: Uncertain significance. Last evaluated: 2015-11-24. Review status: criteria provided, single submitter. Criteria: LMM Criteria. Collection method: clinical testing. Allele origin: germline. Observed: 1 variant allele.
Comment: The p.Gly28476Ser variant in TTN has not been previously reported in individuals with DCM, but has been identified in 5/66610 European and 2/16510 South Asian c hromosomes by the Exome Aggregation Consortium (ExAC .org). Computational prediction tools and conservation analysis suggest that thi s variant may impact the protein. Additionally, splicing tools strongly suggest this variant may lead to the creation of a novel 3' splice site. However, these tools are not predictive enough to determine pathogenicity. In summary, the clin ical significance of the p.Gly28476Ser variant is uncertain.

GeneDx
Classification: Uncertain significance. Last evaluated: 2013-03-13. Review status: criteria provided, single submitter. Criteria: GeneDx Variant Classification (06012015). Collection method: clinical testing. Allele origin: germline. Affected: yes.
Comment: Missense variants in the TTN gene are considered 'unclassified' if they are not previously reported in the literature and do not have >1% frequency in the population to be considered a polymorphism. Research indicates that truncating mutations in the TTN gene are expected to account for approximately 25% of familial and 18% of sporadic idiopathic DCM; however, truncating variants in the TTN gene have been reported in approximately 3% of reported control alleles. There has been little investigation into non-truncating variants. (Herman D et al. Truncations of titin causing dilated cardiomyopathy. N Eng J Med 366:619-628, 2012) The variant is found in DCM panel(s).

PreventionGenetics, part of Exact Sciences
Classification: Uncertain significance for TTN-related condition. Last evaluated: 2024-04-28. Review status: no assertion criteria provided. Collection method: clinical testing. Allele origin: germline. Not counted in ClinVar's aggregate classification.
Comment: The TTN c.93130G>A variant is predicted to result in the amino acid substitution p.Gly31044Ser. To our knowledge, this variant has not been reported in the literature. This variant is reported in 0.0089% of alleles in individuals of European (Non-Finnish) descent in gnomAD. At this time, the clinical significance of this variant is uncertain due to the absence of conclusive functional and genetic evidence.